The following is an entry in ClinVar:

ClinVar aggregate classification (germline): Uncertain significance (1 of 4 stars; one submission).

Allele frequency attached by ClinVar (database versions not stated): gnomAD exomes 0.00007; 1000 Genomes Project 0.00020; ExAC 0.00021; 1000 Genomes Project 30x 0.00047; gnomAD 0.00057; TOPMed 0.00070; ESP Exome Variant Server 0.00100.
gnomAD v4.1: 188 of 1,611,434 alleles (0.012%); highest among the groups gnomAD compares: African/African-American, 0.24%; no homozygotes.

Submission:

Labcorp Genetics (formerly Invitae), Labcorp
Classification: Uncertain significance. Last evaluated: 2025-10-09. Review status: criteria provided, single submitter. Criteria: Invitae Variant Classification Sherloc (09022015). Collection method: clinical testing. Allele origin: germline.
Comment: This sequence change replaces leucine, which is neutral and non-polar, with phenylalanine, which is neutral and non-polar, at codon 220 of the SLIT2 protein (p.Leu220Phe). This variant is present in population databases (rs78215911, gnomAD 0.2%), and has an allele count higher than expected for a pathogenic variant. This variant has not been reported in the literature in individuals affected with SLIT2-related conditions. ClinVar contains an entry for this variant (Variation ID: 2066239). An algorithm developed to predict the effect of missense changes on protein structure and function (PolyPhen-2) suggests that this variant is likely to be disruptive. In summary, the available evidence is currently insufficient to determine the role of this variant in disease. Therefore, it has been classified as a Variant of Uncertain Significance.

NM_004787.4(SLIT2):c.658C>T (p.Leu220Phe)

Gene: SLIT2 (slit guidance ligand 2; plus strand). Cytogenetic location: 4p15.31.
Variant type: single nucleotide variant.
Coding change: c.658C>T on transcript NM_004787.4 (MANE Select); coding-DNA position 658, C replaced by T.
Protein change: p.Leu220Phe; replaces leucine 220 with phenylalanine.
Molecular consequence: missense variant.
Genome position (GRCh38, 1-based): chr4:20,488,865, C>T. VCF-style: chr4-20488865-C-T. GRCh37 (hg19) VCF-style: chr4-20490488-C-T.
Other names: c.658C>T, p.Leu220Phe (NM_001289135.3, NM_001289136.3); short protein forms L220F.
Identifiers: ClinVar variation 2066239 (VCV002066239.4), dbSNP rs78215911, ClinGen allele CA2871168.